The following is an entry in ClinVar:

ClinVar aggregate classification (germline): Uncertain significance (1 of 4 stars; one submission).

Conditions:
Nephronophthisis 18 (NPHP18). Identifiers: Orphanet 655, MedGen C3890591, MONDO:0014374, OMIM 615862.

Submission:

Labcorp Genetics (formerly Invitae), Labcorp
Classification: Uncertain significance for Nephronophthisis 18. Last evaluated: 2020-02-26. Review status: criteria provided, single submitter. Criteria: Invitae Variant Classification Sherloc (09022015). Collection method: clinical testing. Allele origin: germline.
Comment: This sequence change results in a frameshift in the CEP83 gene (p.Gln689Thrfs*37). While this is not anticipated to result in nonsense mediated decay, it is expected to disrupt the last 13 amino acids of the CEP83 protein and extend the protein by an additional 23 amino acids. This variant is not present in population databases (ExAC no frequency). This variant has not been reported in the literature in individuals with CEP83-related conditions. This variant disrupts a region of the protein in which other variant(s) (p.Gln692del) have been observed in individuals with CEP83-related conditions (PMID: 24882706). This suggests that this may be a clinically significant region of the CEP83 protein. In summary, the available evidence is currently insufficient to determine the role of this variant in disease. Therefore, it has been classified as a Variant of Uncertain Significance.

Literature cited by the submitters: PubMed 24882706.

NM_016122.3(CEP83):c.2065_2075del (p.Gln689fs)

Gene: CEP83 (centrosomal protein 83; minus strand). Cytogenetic location: 12q22.
Variant type: Deletion.
Coding change: c.2065_2075del on transcript NM_016122.3 (MANE Select); coding-DNA positions 2065 to 2075, 11 bases deleted (CAAAGAAAACA).
Protein change: p.Gln689fs; shifts the reading frame from glutamine 689.
Molecular consequence: frameshift variant. On other transcripts: non-coding transcript variant (2).
Genome position (GRCh38, 1-based): chr12:94,308,844-94,308,854, TGTTTTCTTTG deleted on the plus strand (CAAAGAAAACA on the coding strand, the reverse complement: CEP83 is on the minus strand); deleting any 11 consecutive bases within chr12:94,308,844-94,308,858 gives the same sequence; the c. name uses the placement nearest the transcript's 3' end. VCF-style (leftmost placement, unchanged base first): chr12-94308843-TTGTTTTCTTTG-T. GRCh37 (hg19) VCF-style: chr12-94702619-TTGTTTTCTTTG-T.
Other names: c.2065_2075del, p.Gln689fs (NM_001042399.2, NM_001346457.2, NM_001368037.1 and 1 more transcripts); c.1753_1763del, p.Gln585fs (NM_001346458.2, NM_001346459.2, NM_001368039.1 and 1 more transcripts); c.1840_1850del, p.Gln614fs (NM_001368041.1); short protein forms Q585fs, Q614fs, Q689fs.
Identifiers: ClinVar variation 1023907 (VCV001023907.9), dbSNP rs1969370890, ClinGen allele CA2055734373.
Genomic context (GRCh38, chr12:94,308,843, plus strand): 5'-CTCTTTTGATCTGCCTGTTCTCCAAGAACATCATTCTCCGGAAGATCCAAGTTCCTCTAG[TTGTTTTCTTTG>T]TGTTGTTTCCAGTTCTTCTAGTCTTTTGCGAAGTAGAGAGAGTTCCCTTTGATGTTGTTC-3'